The following is an entry in ClinVar:

ClinVar aggregate classification (germline): Uncertain significance (1 of 4 stars; one submission).

Conditions:
Inborn genetic diseases. Identifiers: MedGen C0950123, MeSH D030342.

gnomAD v4.1: 3 of 1,613,698 alleles (0.00019%); highest among the groups gnomAD compares: African/African-American, 0.0027%; no homozygotes.

Submission:

Ambry Genetics
Classification: Uncertain significance for Inborn genetic diseases. Last evaluated: 2025-03-29. Review status: criteria provided, single submitter. Criteria: Ambry Variant Classification Scheme 2023. Collection method: clinical testing. Allele origin: germline.
Comment: The p.G42S variant (also known as c.124G>A), located in coding exon 1 of the SBDS gene, results from a G to A substitution at nucleotide position 124. The glycine at codon 42 is replaced by serine, an amino acid with similar properties. This amino acid position is conserved. In addition, this alteration is predicted to be deleterious by in silico analysis. Based on the available evidence, the clinical significance of this variant remains unclear.

NM_016038.4(SBDS):c.124G>A (p.Gly42Ser)

Gene: SBDS (SBDS ribosome maturation factor; minus strand). Cytogenetic location: 7q11.21.
Variant type: single nucleotide variant.
Coding change: c.124G>A on transcript NM_016038.4 (MANE Select); coding-DNA position 124, G replaced by A.
Protein change: p.Gly42Ser; replaces glycine 42 with serine.
Molecular consequence: missense variant.
Genome position (GRCh38, 1-based): chr7:66,995,294, C>T on the plus strand (G>A on the coding strand, the complement: SBDS is on the minus strand). VCF-style: chr7-66995294-C-T. GRCh37 (hg19) VCF-style: chr7-66460281-C-T.
Other names: short protein forms G42S.
Identifiers: ClinVar variation 3950302 (VCV003950302.1).
Genomic context (GRCh38, chr7:66,995,294, plus strand): 5'-GCCTCGGAGGTGACGGCTCAGGCCCAGGCCCAGGCCCGAGGGAGGGGGCTACTCACACGC[C>T]GCTCCGCCAGCCGACGACCTTGTTTTTGTAGCAGGCGATTTCGAAGCGCTTCCCGGCACG-3'
Protein context (NP_057122.2, residues 32-52): YKNKVVGWRS[Gly42Ser]VEKDLDEVLQ